The following is an entry in ClinVar:

ClinVar aggregate classification (germline): Likely benign. Review status: criteria provided, multiple submitters, no conflicts (2 of 4 stars). 2 submissions from 2 submitters: Likely benign (2). Last evaluated 2024-11-16.

Conditions:
Prostate cancer, hereditary, 9 (HPC9). Identifiers: Orphanet 1331, MedGen C1970250, MONDO:0012597, OMIM 610997.

Submissions (2):

Labcorp Genetics (formerly Invitae), Labcorp
Classification: Likely benign. Last evaluated: 2024-11-16. Review status: criteria provided, single submitter. Criteria: Invitae Variant Classification Sherloc (09022015). Collection method: clinical testing. Allele origin: germline.

Myriad Genetics, Inc.
Classification: Likely benign for Prostate cancer, hereditary, 9. Last evaluated: 2024-10-30. Review status: criteria provided, single submitter. Criteria: Myriad Autosomal Dominant, Autosomal Recessive and X-Linked Classification Criteria (2023). Collection method: clinical testing. Allele origin: unknown.
Comment: This variant is considered likely benign. This variant is intronic and is not expected to impact mRNA splicing.

NM_006361.6(HOXB13):c.602-12C>T

Gene: HOXB13 (homeobox B13; minus strand). Cytogenetic location: 17q21.32.
Variant type: single nucleotide variant.
Coding change: c.602-12C>T on transcript NM_006361.6 (MANE Select); 12 bases into the intron before coding-DNA position 602, C replaced by T.
Molecular consequence: intron variant.
Genome position (GRCh38, 1-based): chr17:48,727,055, G>A on the plus strand (C>T on the coding strand, the complement: HOXB13 is on the minus strand). VCF-style: chr17-48727055-G-A. GRCh37 (hg19) VCF-style: chr17-46804417-G-A.
Identifiers: ClinVar variation 3674109 (VCV003674109.3).
Genomic context (GRCh38, chr17:48,727,055, plus strand): 5'-CGGCCGCGACGAAAGGCGCAGGCGTCAGGAGGGTGCTGCCCGCTGGAGTCTGCGCGGCGT[G>A]AAAGGGAGGGAGGAAAAGGCATGGTCAGATACCCACCCATGCAGACCCAGGCCTTGCAAG-3'